The following is an entry in ClinVar:

ClinVar aggregate classification (germline): Likely benign (1 of 4 stars; one submission).

gnomAD v4.1: 75 of 1,209,781 alleles (0.0062%); highest among the groups gnomAD compares: Middle Eastern, 0.023%; no homozygotes.

Submission:

CeGaT Center for Human Genetics Tuebingen
Classification: Likely benign. Last evaluated: 2026-04-01. Review status: criteria provided, single submitter. Criteria: CeGaT Center For Human Genetics Tuebingen Variant Classification Criteria Version 2. Collection method: clinical testing. Allele origin: germline. Affected: yes. Observed: 1 variant allele.
Comment: TLR8: BP4, BP7, BS2

NM_138636.5(TLR8):c.597G>C (p.Thr199=)

Genes: TLR8 (toll like receptor 8; plus strand), TLR8-AS1 (TLR8 antisense RNA 1; minus strand). Cytogenetic location: Xp22.2.
Variant type: single nucleotide variant.
Coding change: c.597G>C on transcript NM_138636.5 (MANE Select); coding-DNA position 597, G replaced by C.
Protein change: p.Thr199=; no amino-acid change (threonine 199 retained).
Molecular consequence: synonymous variant.
Genome position (GRCh38, 1-based): chrX:12,919,637, G>C. VCF-style: chrX-12919637-G-C. GRCh37 (hg19) VCF-style: chrX-12937756-G-C.
Other names: c.651G>C, p.Thr217= (NM_016610.4).
Identifiers: ClinVar variation 4872989 (VCV004872989.2).
Genomic context (GRCh38, chrX:12,919,637, plus strand): 5'-GAACTGCTATTTTAACAAAGTTTGCGAGAAAACTAACATAGAAGATGGAGTATTTGAAAC[G>C]CTGACAAATTTGGAGTTGCTATCACTATCTTTCAATTCTCTTTCACACGTGCCACCCAAA-3'
Protein context (NP_619542.1, residues 189-209): KTNIEDGVFE[Thr199=]LTNLELLSLS